The following is an entry in ClinVar:

ClinVar aggregate classification (germline): Likely pathogenic (1 of 4 stars; one submission).

Submission:

Labcorp Genetics (formerly Invitae), Labcorp
Classification: Likely pathogenic. Last evaluated: 2022-08-31. Review status: criteria provided, single submitter. Criteria: Invitae Variant Classification Sherloc (09022015). Collection method: clinical testing. Allele origin: germline.
Comment: In summary, the currently available evidence indicates that the variant is pathogenic, but additional data are needed to prove that conclusively. Therefore, this variant has been classified as Likely Pathogenic. This variant has not been reported in the literature in individuals affected with C7-related conditions. This variant results in the deletion of exons 2-4 and part of exon 5 (c.7-7680_407delinsACCAGTTTC) of the C7 gene. It is expected to disrupt RNA splicing. Variants that disrupt the donor or acceptor splice site typically lead to a loss of protein function (PMID: 16199547), and loss-of-function variants in C7 are known to be pathogenic (PMID: 9856499, 17407100).

Literature cited by the submitters: PubMed 16199547; PubMed 9856499; PubMed 17407100.

NC_000005.9:g.(?_40921002)_(40936566_?)del

Gene: C7 (complement C7; plus strand). Cytogenetic location: 5p13.1.
Variant type: Deletion.
Identifiers: ClinVar variation 2423330 (VCV002423330.2).